The following is an entry in ClinVar:

NM_002485.5(NBN):c.1984C>G (p.Leu662Val)

Gene: NBN (nibrin; minus strand). Cytogenetic location: 8q21.3.
Variant type: single nucleotide variant.
Coding change: c.1984C>G on transcript NM_002485.5 (MANE Select); coding-DNA position 1984, C replaced by G.
Protein change: p.Leu662Val; replaces leucine 662 with valine.
Molecular consequence: missense variant.
Genome position (GRCh38, 1-based): chr8:89,946,226, G>C on the plus strand (C>G on the coding strand, the complement: NBN is on the minus strand). VCF-style: chr8-89946226-G-C. GRCh37 (hg19) VCF-style: chr8-90958454-G-C.
Other names: c.1738C>G, p.Leu580Val (NM_001024688.3); short protein forms L580V, L662V.
Identifiers: ClinVar variation 820449 (VCV000820449.4), dbSNP rs1586040566, ClinGen allele CA371676504.
Genomic context (GRCh38, chr8:89,946,226, plus strand): 5'-GTTGACCATAATCATCATTTATGCCAGATGGATTTCTGGAAGTAGAGTTTTTAATCACCA[G>C]TGATCTAAATTCAGTCAATAACAGCTTTTTTGGAAGCATCTCACTATCATCCTGAAGTTT-3'
Protein context (NP_002476.2, residues 652-672): KKLLLTEFRS[Leu662Val]VIKNSTSRNP

ClinVar aggregate classification (germline): Uncertain significance (1 of 4 stars; one submission).

Conditions:
Hereditary cancer-predisposing syndrome. Also called: Neoplastic Syndromes, Hereditary; Tumor predisposition; Hereditary Cancer Syndrome; Hereditary neoplastic syndrome. Identifiers: Orphanet 140162, MedGen C0027672, MeSH D009386, MONDO:0015356.

Submission:

Ambry Genetics
Classification: Uncertain significance for Hereditary cancer-predisposing syndrome. Last evaluated: 2017-12-21. Review status: criteria provided, single submitter. Criteria: Ambry Variant Classification Scheme 2023. Collection method: clinical testing. Allele origin: germline.
Comment: The p.L662V variant (also known as c.1984C>G), located in coding exon 13 of the NBN gene, results from a C to G substitution at nucleotide position 1984. The leucine at codon 662 is replaced by valine, an amino acid with highly similar properties. This amino acid position is highly conserved in available vertebrate species. In addition, this alteration is predicted to be tolerated by in silico analysis. Since supporting evidence is limited at this time, the clinical significance of this alteration remains unclear.